The following is an entry in ClinVar:

NM_003072.5(SMARCA4):c.1117A>G (p.Arg373Gly)

Gene: SMARCA4 (SWI/SNF related BAF chromatin remodeling complex subunit ATPase 4; plus strand). Cytogenetic location: 19p13.2.
Variant type: single nucleotide variant.
Coding change: c.1117A>G on transcript NM_003072.5 (MANE Select); coding-DNA position 1117, A replaced by G.
Protein change: p.Arg373Gly; replaces arginine 373 with glycine.
Molecular consequence: missense variant. On other transcripts: non-coding transcript variant (1).
Genome position (GRCh38, 1-based): chr19:10,987,923, A>G. VCF-style: chr19-10987923-A-G. GRCh37 (hg19) VCF-style: chr19-11098599-A-G.
Other names: c.1117A>G, p.Arg373Gly (NM_001128844.3, NM_001128845.2, NM_001128846.2 and 5 more transcripts); short protein forms R373G.
Identifiers: ClinVar variation 537762 (VCV000537762.8), dbSNP rs1555755346, ClinGen allele CA404058977.

ClinVar aggregate classification (germline): Uncertain significance (1 of 4 stars; one submission).

Conditions:
Rhabdoid tumor predisposition syndrome 2 (RTPS2). Identifiers: Orphanet 231108, Orphanet 69077, MedGen C2750074, MONDO:0013224, OMIM 613325.

Submission:

Labcorp Genetics (formerly Invitae), Labcorp
Classification: Uncertain significance for Rhabdoid tumor predisposition syndrome 2. Last evaluated: 2017-08-19. Review status: criteria provided, single submitter. Criteria: Invitae Variant Classification Sherloc (09022015). Collection method: clinical testing. Allele origin: germline.
Comment: In summary, the available evidence is currently insufficient to determine the role of this variant in disease. Therefore, it has been classified as a Variant of Uncertain Significance. Algorithms developed to predict the effect of sequence changes on RNA splicing suggest that this variant may disrupt the consensus splice site, but this prediction has not been confirmed by published transcriptional studies. Algorithms developed to predict the effect of missense changes on protein structure and function (SIFT, PolyPhen-2, Align-GVGD) all suggest that this variant is likely to be disruptive, but these predictions have not been confirmed by published functional studies and their clinical significance is uncertain. This variant has not been reported in the literature in individuals with SMARCA4-related disease. This variant is not present in population databases (ExAC no frequency). This sequence change replaces arginine with glycine at codon 373 of the SMARCA4 protein (p.Arg373Gly). The arginine residue is highly conserved and there is a moderate physicochemical difference between arginine and glycine.